The following is an entry in ClinVar:

ClinVar aggregate classification (germline): Benign. Review status: criteria provided, multiple submitters, no conflicts (2 of 4 stars). 3 submissions from 3 submitters: Benign (2). 1 of the submissions does not count toward it. Last evaluated 2017-08-08.

Conditions:
MYO7B-related disorder. Also called: MYO7B-related condition.

Allele frequency attached by ClinVar (database versions not stated): gnomAD exomes 0.00177 and 0.00411; 1000 Genomes Project 30x 0.01952; TOPMed 0.02011; ExAC 0.00894; gnomAD 0.01768 and 0.01888; ESP Exome Variant Server 0.01780; 1000 Genomes Project 0.01857.
gnomAD v4.1: 5,336 of 1,597,444 alleles (0.33%); highest among the groups gnomAD compares: African/African-American, 6.2%; 160 homozygotes.

Submissions (3):

Labcorp Genetics (formerly Invitae), Labcorp
Classification: Benign. Last evaluated: 2017-08-08. Review status: criteria provided, single submitter. Criteria: Invitae Variant Classification Sherloc (09022015). Collection method: clinical testing. Allele origin: germline.

Breakthrough Genomics
Classification: Benign. Review status: criteria provided, single submitter. Criteria: ACMG Guidelines, 2015. Collection method: not provided. Allele origin: germline. Inheritance: Unknown mechanism. Affected: yes.

PreventionGenetics, part of Exact Sciences
Classification: Benign for MYO7B-related condition. Last evaluated: 2019-02-18. Review status: no assertion criteria provided. Collection method: clinical testing. Allele origin: germline. Not counted in ClinVar's aggregate classification.
Comment: This variant is classified as benign based on ACMG/AMP sequence variant interpretation guidelines (Richards et al. 2015 PMID: 25741868, with internal and published modifications).

NM_001393586.1(MYO7B):c.3925A>G (p.Ile1309Val)

Gene: MYO7B (myosin VIIB; plus strand). Cytogenetic location: 2q14.3.
Variant type: single nucleotide variant.
Coding change: c.3925A>G on transcript NM_001393586.1 (MANE Select); coding-DNA position 3925, A replaced by G.
Protein change: p.Ile1309Val; replaces isoleucine 1309 with valine.
Molecular consequence: missense variant.
Genome position (GRCh38, 1-based): chr2:127,624,198, A>G. VCF-style: chr2-127624198-A-G. GRCh37 (hg19) VCF-style: chr2-128381773-A-G.
Other names: c.3847A>G, p.Ile1283Val (NM_001080527.2); c.406A>G, p.Ile136Val (NM_001393594.1); short protein forms I1283V, I1309V, I136V.
Identifiers: ClinVar variation 775756 (VCV000775756.6), dbSNP rs116176015, ClinGen allele CA1861581.